The following is an entry in ClinVar:

ClinVar aggregate classification (germline): Conflicting classifications of pathogenicity. Review status: criteria provided, conflicting classifications (1 of 4 stars). 2 submissions from 2 submitters: Uncertain significance (1); Benign (1). Last evaluated 2025-10-27.

Conditions:
Hereditary cancer-predisposing syndrome. Also called: Hereditary Cancer Syndrome; Neoplastic Syndromes, Hereditary; Hereditary neoplastic syndrome; Tumor predisposition. Identifiers: Orphanet 140162, MedGen C0027672, MeSH D009386, MONDO:0015356.
Ataxia-telangiectasia syndrome (AT). Also called: Cerebello-oculocutaneous telangiectasia; Immunodeficiency with ataxia telangiectasia; Ataxia-telangiectasia, complementation group E; Ataxia-telangiectasia, complementation group D; AT, COMPLEMENTATION GROUP C; ATAXIA-TELANGIECTASIA, COMPLEMENTATION GROUP A. Identifiers: Orphanet 100, MedGen C0004135, MONDO:0008840, OMIM 208900.

Allele frequency attached by ClinVar (database versions not stated): gnomAD exomes below 0.00001.
gnomAD v4.1: 2 of 1,613,966 alleles (0.00012%); highest among the groups gnomAD compares: Non-Finnish European, 0.00017%; no homozygotes.

Submissions (2):

Ambry Genetics
Classification: Benign for Hereditary cancer-predisposing syndrome. Last evaluated: 2025-10-27. Review status: criteria provided, single submitter. Criteria: Ambry Variant Classification Scheme 2023. Collection method: clinical testing. Allele origin: germline.

Labcorp Genetics (formerly Invitae), Labcorp
Classification: Uncertain significance for Ataxia-telangiectasia syndrome. Last evaluated: 2024-10-15. Review status: criteria provided, single submitter. Criteria: Invitae Variant Classification Sherloc (09022015). Collection method: clinical testing. Allele origin: germline.
Comment: This sequence change replaces isoleucine, which is neutral and non-polar, with methionine, which is neutral and non-polar, at codon 826 of the ATM protein (p.Ile826Met). This variant is not present in population databases (gnomAD no frequency). This variant has not been reported in the literature in individuals affected with ATM-related conditions. ClinVar contains an entry for this variant (Variation ID: 821337). Invitae Evidence Modeling of protein sequence and biophysical properties (such as structural, functional, and spatial information, amino acid conservation, physicochemical variation, residue mobility, and thermodynamic stability) indicates that this missense variant is not expected to disrupt ATM protein function with a negative predictive value of 95%. In summary, the available evidence is currently insufficient to determine the role of this variant in disease. Therefore, it has been classified as a Variant of Uncertain Significance.

Literature cited by the submitters: PubMed 40580951 (cited by Ambry Genetics).

NM_000051.4(ATM):c.2478C>G (p.Ile826Met)

Gene: ATM (ATM serine/threonine kinase; plus strand). Cytogenetic location: 11q22.3.
Variant type: single nucleotide variant.
Coding change: c.2478C>G on transcript NM_000051.4 (MANE Select); coding-DNA position 2478, C replaced by G.
Protein change: p.Ile826Met; replaces isoleucine 826 with methionine.
Molecular consequence: missense variant.
Genome position (GRCh38, 1-based): chr11:108,267,182, C>G. VCF-style: chr11-108267182-C-G. GRCh37 (hg19) VCF-style: chr11-108137909-C-G.
Other names: c.2478C>G, p.Ile826Met (NM_001351834.2); short protein forms I826M.
Identifiers: ClinVar variation 821337 (VCV000821337.15), dbSNP rs1591587125, ClinGen allele CA382543178.